The following is an entry in ClinVar:

ClinVar aggregate classification (germline): Likely benign (1 of 4 stars; one submission).

Conditions:
DIP2A-related disorder. Also called: DIP2A-related condition.

gnomAD v4.1: 6 of 1,614,026 alleles (0.00037%); highest among the groups gnomAD compares: Middle Eastern, 0.033%; no homozygotes.

Submission:

PreventionGenetics, part of Exact Sciences
Classification: Likely benign for DIP2A-related condition. Last evaluated: 2025-03-25. Review status: criteria provided, single submitter. Criteria: ACMG Guidelines, 2015. Collection method: clinical testing. Allele origin: germline.
Comment: This variant is classified as likely benign based on ACMG/AMP sequence variant interpretation guidelines (Richards et al. 2015 PMID: 25741868, with internal and published modifications).

NM_015151.4(DIP2A):c.1962G>A (p.Gln654=)

Gene: DIP2A (DIP2 acetate--CoA ligase A; plus strand). Cytogenetic location: 21q22.3.
Variant type: single nucleotide variant.
Coding change: c.1962G>A on transcript NM_015151.4 (MANE Select); coding-DNA position 1962, G replaced by A.
Protein change: p.Gln654=; no amino-acid change (glutamine 654 retained).
Molecular consequence: synonymous variant.
Genome position (GRCh38, 1-based): chr21:46,539,917, G>A. VCF-style: chr21-46539917-G-A. GRCh37 (hg19) VCF-style: chr21-47959830-G-A.
Other names: c.1833G>A, p.Gln611= (NM_001146115.2); c.1950G>A, p.Gln650= (NM_001146116.2); c.1965G>A, p.Gln655= (NM_001353942.2); c.1962G>A, p.Gln654= (NM_001353943.2, NM_001410751.1, NM_206889.3 and 2 more transcripts); c.1713G>A, p.Gln571= (NM_001353944.2).
Identifiers: ClinVar variation 4979185 (VCV004979185.1).